The following is an entry in ClinVar:

NM_002230.4(JUP):c.567C>T (p.Val189=)

Gene: JUP (junction plakoglobin; minus strand). Cytogenetic location: 17q21.2.
Variant type: single nucleotide variant.
Coding change: c.567C>T on transcript NM_002230.4 (MANE Select); coding-DNA position 567, C replaced by T.
Protein change: p.Val189=; no amino-acid change (valine 189 retained).
Molecular consequence: synonymous variant.
Genome position (GRCh38, 1-based): chr17:41,769,109, G>A on the plus strand (C>T on the coding strand, the complement: JUP is on the minus strand). VCF-style: chr17-41769109-G-A. GRCh37 (hg19) VCF-style: chr17-39925361-G-A.
Other names: p.V189V:GTC>GTT; c.567C>T, p.Val189= (NM_001352773.2, NM_001352774.2, NM_001352775.2 and 3 more transcripts); c.567C>T (NM_002230.3).
Identifiers: ClinVar variation 45854 (VCV000045854.65), dbSNP rs35297577, ClinGen allele CA137228.
Genomic context (GRCh38, chr17:41,769,109, plus strand): 5'-CAGGATGCTGGTGGTGCAGCGGGCTGTGTCCAGGTCGCTGGTATTCTGCATGGTACGCAC[G>A]ACAGCGGCCACCAGCTGGGGCGAGCCCATCAGGGCCCGCCGCGACGCCTCCTTCTTCGAC-3'
Protein context (NP_002221.1, residues 179-199): LMGSPQLVAA[Val189=]VRTMQNTSDL

ClinVar aggregate classification (germline): Benign/Likely benign. Review status: criteria provided, multiple submitters, no conflicts (2 of 4 stars). 12 submissions from 12 submitters: Benign (3); Likely benign (6). 3 of the submissions do not count toward it. Last evaluated 2026-02-01.

Conditions:
JUP-related disorder. Also called: JUP-related condition.
Cardiovascular phenotype. Identifiers: MedGen CN230736.
Naxos disease (NXD). Also called: CARDIOMYOPATHY, ARRHYTHMOGENIC RIGHT VENTRICULAR, WITH SKIN, HAIR, AND NAIL ABNORMALITIES; KERATOSIS PALMOPLANTARIS WITH ARRHYTHMOGENIC CARDIOMYOPATHY; MAL DE NAXOS; PALMOPLANTAR KERATODERMA WITH ARRHYTHMOGENIC RIGHT VENTRICULAR CARDIOMYOPATHY AND WOOLLY HAIR; WOOLLY HAIR, PALMOPLANTAR KERATODERMA, AND CARDIAC ABNORMALITIES. Identifiers: Orphanet 34217, MedGen C1832600, MONDO:0011017, OMIM 601214.
Arrhythmogenic right ventricular dysplasia 12. Also called: ARRHYTHMOGENIC RIGHT VENTRICULAR DYSPLASIA, FAMILIAL, 12. Identifiers: MedGen C1969081, MONDO:0012684, OMIM 611528.

Allele frequency attached by ClinVar (database versions not stated): gnomAD exomes 0.00012 and 0.00030; ExAC 0.00036; 1000 Genomes Project 0.00060; 1000 Genomes Project 30x 0.00062; ESP Exome Variant Server 0.00069; gnomAD 0.00082 and 0.00090; TOPMed 0.00083.
gnomAD v4.1: 318 of 1,612,042 alleles (0.02%); highest among the groups gnomAD compares: African/African-American, 0.25%; no homozygotes.

Submissions (12):

Labcorp Genetics (formerly Invitae), Labcorp
Classification: Benign for Arrhythmogenic right ventricular dysplasia 12; Naxos disease. Last evaluated: 2026-02-01. Review status: criteria provided, single submitter. Criteria: Invitae Variant Classification Sherloc (09022015). Collection method: clinical testing. Allele origin: germline.

Molecular Diagnostic Laboratory for Inherited Cardiovascular Disease, Montreal Heart Institute
Classification: Likely benign. Last evaluated: 2025-04-09. Review status: criteria provided, single submitter. Criteria: ACMG Guidelines, 2015. Collection method: clinical testing. Allele origin: germline. Affected: no.

Blueprint Genetics
Classification: Likely benign. Last evaluated: 2024-10-22. Review status: criteria provided, single submitter. Criteria: ACMG Guidelines, 2015. Collection method: clinical testing. Allele origin: germline.

CeGaT Center for Human Genetics Tuebingen
Classification: Likely benign. Last evaluated: 2022-12-01. Review status: criteria provided, single submitter. Criteria: CeGaT Center For Human Genetics Tuebingen Variant Classification Criteria Version 2. Collection method: clinical testing. Allele origin: germline. Affected: yes. Observed: 2 variant alleles.
Comment: JUP: BP4, BP7

Phosphorus, Inc.
Classification: Likely benign. Last evaluated: 2022-01-13. Review status: criteria provided, single submitter. Criteria: ACMG Guidelines, 2015. Collection method: clinical testing. Allele origin: germline. Inheritance: Autosomal recessive inheritance.
Comment: This synonymous variant has occurred in GnomAD with a total MAF of 0.0305% and with the highest MAF of 0.2576% in the African population. This position is not conserved. In silico splicing algorithm predicted no impact on splicing, but no functional studies were performed to confirm this prediction. This variant NM_002230.4(JUP):c.567C>T (p.Val189=) is present in the ClinVar database (ID: 45854). The variant has not occurred in the literature in association with the disease. Considering that the variant has a relatively high frequency in a subpopulation, it has been classified as Likely Benign.

Women's Health and Genetics/Laboratory Corporation of America, LabCorp
Classification: Benign. Last evaluated: 2019-06-03. Review status: criteria provided, single submitter. Criteria: LabCorp Variant Classification Summary - May 2015. Collection method: clinical testing. Allele origin: germline.
Comment: Variant summary: JUP c.567C>T alters a non-conserved nucleotide resulting in a synonymous change. 4/4 computational tools predict no significant impact on normal splicing. However, these predictions have yet to be confirmed by functional studies. The variant allele was found at a frequency of 0.0003 in 247354 control chromosomes, predominantly at a frequency of 0.0026 within the African or African-American subpopulation in the gnomAD database. The observed variant frequency within African or African-American control individuals in the gnomAD database is approximately 104 fold of the estimated maximal expected allele frequency for a pathogenic variant in JUP causing Cardiomyopathy phenotype (2.5e-05), strongly suggesting that the variant is a benign polymorphism found primarily in populations of African or African-American origin. To our knowledge, no occurrence of c.567C>T in individuals affected with Cardiomyopathy and no experimental evidence demonstrating its impact on protein function have been reported. Co-occurrences with other pathogenic variant(s) have been reported (TTR c.424G>A, p.Val142Ile) at our laboratory providing supporting evidence for a benign role. Two clinical diagnostic laboratories have submitted clinical-significance assessments for this variant to ClinVar after 2014 without evidence for independent evaluation. All laboratories classified the variant as benign/likely benign. Based on the evidence outlined above, the variant was classified as benign.

Ambry Genetics
Classification: Likely benign for Cardiovascular phenotype. Last evaluated: 2018-01-19. Review status: criteria provided, single submitter. Criteria: Ambry Variant Classification Scheme 2023. Collection method: clinical testing. Allele origin: germline.

GeneDx
Classification: Benign. Last evaluated: 2014-03-10. Review status: criteria provided, single submitter. Criteria: GeneDx Variant Classification (06012015). Collection method: clinical testing. Allele origin: germline. Affected: yes.
Comment: This variant is considered likely benign or benign based on one or more of the following criteria: it is a conservative change, it occurs at a poorly conserved position in the protein, it is predicted to be benign by multiple in silico algorithms, and/or has population frequency not consistent with disease.

Laboratory for Molecular Medicine, Mass General Brigham Personalized Medicine
Classification: Likely benign. Last evaluated: 2012-03-19. Review status: criteria provided, single submitter. Criteria: LMM Criteria. Collection method: clinical testing. Allele origin: germline. Observed: 1 variant allele.
Comment: p.Val189Val in Exon 04 of JUP: This variant is not expected to have clinical sig nificance because it does not alter an amino acid residue, is not located within the splice consensus sequence. It has been identified in 0.2% (7/3734) of Afric an American chromosomes from a broad population by the NHLBI Exome Sequencing Pr oject (dbSNP rs35297577).

PreventionGenetics, part of Exact Sciences
Classification: Likely benign for JUP-related condition. Last evaluated: 2024-04-28. Review status: no assertion criteria provided. Collection method: clinical testing. Allele origin: germline. Not counted in ClinVar's aggregate classification.
Comment: This variant is classified as likely benign based on ACMG/AMP sequence variant interpretation guidelines (Richards et al. 2015 PMID: 25741868, with internal and published modifications).

Clinical Genetics DNA and cytogenetics Diagnostics Lab, Erasmus MC, Erasmus Medical Center
Classification: Likely benign. Review status: no assertion criteria provided. Collection method: clinical testing. Allele origin: germline. Affected: yes. Study: VKGL Data-share Consensus. Not counted in ClinVar's aggregate classification.

Clinical Genetics, Academic Medical Center
Classification: Benign. Review status: no assertion criteria provided. Collection method: clinical testing. Allele origin: germline. Affected: yes. Study: VKGL Data-share Consensus. Not counted in ClinVar's aggregate classification.